The following is an entry in ClinVar:

ClinVar aggregate classification (germline): Uncertain significance (1 of 4 stars; one submission).

Conditions:
Malignant hyperthermia, susceptibility to, 1 (MHS1). Also called: Anesthesia related hyperthermia; Malignant hyperpyrexia; Fulminating hyperpyrexia; Pharmacogenic myopathy; RYR1-Related Malignant Hyperthermia Susceptibility; Malignant hyperthermia suceptibility 1. Identifiers: Orphanet 423, MedGen C2930980, MONDO:0007783, OMIM 145600.

Submission:

All of Us Research Program, National Institutes of Health
Classification: Uncertain significance for Malignant hyperthermia, susceptibility to, 1. Last evaluated: 2024-01-11. Review status: criteria provided, single submitter. Criteria: ACMG Guidelines, 2015. Collection method: clinical testing. Allele origin: germline. Inheritance: Autosomal dominant inheritance. Observed: 1 variant allele, 1 heterozygote.
Comment: This study involves interpretation of variants in research participants for the purpose of population health screening. Participant phenotype was not available at the time of variant classification. Additional details can be found in publication PMID: 35346344, PMCID: PMC8962531

NM_000540.3(RYR1):c.7730T>C (p.Ile2577Thr)

Gene: RYR1 (ryanodine receptor 1; plus strand). Cytogenetic location: 19q13.2.
Variant type: single nucleotide variant.
Coding change: c.7730T>C on transcript NM_000540.3 (MANE Select); coding-DNA position 7730, T replaced by C.
Protein change: p.Ile2577Thr; replaces isoleucine 2577 with threonine.
Molecular consequence: missense variant.
Genome position (GRCh38, 1-based): chr19:38,502,622, T>C. VCF-style: chr19-38502622-T-C. GRCh37 (hg19) VCF-style: chr19-38993262-T-C.
Other names: c.7730T>C, p.Ile2577Thr (NM_001042723.2); short protein forms I2577T.
Identifiers: ClinVar variation 3075335 (VCV003075335.1), dbSNP rs2514334040, ClinGen allele CA405671831.